The following is an entry in ClinVar:

NM_001370466.1(NOD2):c.2023C>T (p.Arg675Trp)

Gene: NOD2 (nucleotide binding oligomerization domain containing 2; plus strand). Cytogenetic location: 16q12.1.
Variant type: single nucleotide variant.
Coding change: c.2023C>T on transcript NM_001370466.1 (MANE Select); coding-DNA position 2023, C replaced by T.
Protein change: p.Arg675Trp; replaces arginine 675 with tryptophan.
Molecular consequence: missense variant. On other transcripts: non-coding transcript variant (1).
Genome position (GRCh38, 1-based): chr16:50,712,015, C>T. VCF-style: chr16-50712015-C-T. GRCh37 (hg19) VCF-style: chr16-50745926-C-T.
Other names: c.2023C>T, p.Arg675Trp (NM_001293557.2); c.2104C>T, p.Arg702Trp (NM_022162.3); short protein forms R702W, R675W.
Identifiers: ClinVar variation 4693 (VCV000004693.46), dbSNP rs2066844, ClinGen allele CA213414.

ClinVar aggregate classification (germline): Conflicting classifications of pathogenicity; association. Review status: criteria provided, conflicting classifications (1 of 4 stars). 16 submissions from 14 submitters: Likely pathogenic (1); Uncertain significance (4); Benign (2); Likely benign (6). 2 of the submissions do not count toward it. Last evaluated 2026-02-03.

Conditions:
Inflammatory bowel disease 1 (IBD1). Also called: Inflammatory bowel disease 1, Crohn disease; INFLAMMATORY BOWEL DISEASE (CROHN DISEASE) 1. Identifiers: MedGen CN260071, MONDO:0009960, OMIM 266600.
Yao syndrome. Also called: Susceptibility to Yao syndrome. Identifiers: MedGen C4310620, MONDO:0015019, OMIM 617321.
Blau syndrome (BLAUS). Also called: ARTHROCUTANEOUVEAL GRANULOMATOSIS; GRANULOMATOSIS, FAMILIAL JUVENILE SYSTEMIC; GRANULOMATOSIS, FAMILIAL, BLAU TYPE; GRANULOMATOUS INFLAMMATORY ARTHRITIS, DERMATITIS, AND UVEITIS, FAMILIAL; JABS SYNDROME. Identifiers: Orphanet 90340, MedGen C5201146, MONDO:0008523, OMIM 186580.
Regional enteritis. Also called: Enteritis, Granulomatous. Identifiers: MedGen C0678202, MeSH D003424.
Crohn disease. Also called: Crohn's disease. Identifiers: MedGen C0010346, MONDO:0005011, HP:0100280.
Autoinflammatory syndrome. Identifiers: Orphanet 93665, MedGen C3890737, MONDO:0019751.

Allele frequency attached by ClinVar (database versions not stated): 1000 Genomes Project 0.01438; 1000 Genomes Project 30x 0.01624; ExAC 0.02274; gnomAD exomes 0.02605 and 0.03993; gnomAD 0.02760 and 0.02936; TOPMed 0.02987.
gnomAD v4.1: 62,111 of 1,613,122 alleles (3.9%); highest among the groups gnomAD compares: Non-Finnish European, 4.8%; 1,697 homozygotes.

Submissions 1 to 10 of 16:

Labcorp Genetics (formerly Invitae), Labcorp
Classification: association for Regional enteritis; Blau syndrome. Last evaluated: 2026-02-03. Review status: criteria provided, single submitter. Criteria: Invitae Variant Classification Sherloc (09022015). Collection method: clinical testing. Allele origin: germline.
Comment: This sequence change replaces arginine, which is basic and polar, with tryptophan, which is neutral and slightly polar, at codon 702 of the NOD2 protein (p.Arg702Trp). This variant is present in population databases (rs2066844, gnomAD 4%), including at least one homozygous and/or hemizygous individual. Numerous population-based case-control studies have shown that this variant confers an elevated risk of Crohn's disease (PMID: 11385576, 21548950, 18489434, 21274544, 15770725, 15024686, 15571588). In a large meta-analysis involving 75 case-control studies with 18,727 cases and 17,102 controls (PMID: 19713276), individuals carrying this variant had an increased overall risk of Crohn's disease (OR = 2.2, 95% CI 2.0-2.5). When all three NOD2 genotypes were combined (p.Arg702Trp, p.Gly908Arg, and p.Leu1007Profs*2), the odds ratios for Crohn's disease were 2.4 (95% CI, 2.0-2.8) for simple heterozygotes, 9.0 (95% CI 6.0-13.5) for compound heterozygotes, and 6.7 (95% CI 4.1-10.9) for homozygotes, compared with noncarriers. This variant is also referred to as R675W and SNP8 in the literature. ClinVar contains an entry for this variant (Variation ID: 4693). Invitae Evidence Modeling of protein sequence and biophysical properties (such as structural, functional, and spatial information, amino acid conservation, physicochemical variation, residue mobility, and thermodynamic stability) indicates that this missense variant is not expected to disrupt NOD2 protein function with a negative predictive value of 95%. Experimental studies have shown that this missense change results in decreased NFkB activity and decreased response to lipopolysaccharide, muramyl dipeptide, and peptidoglycan compared to wildtype protein (PMID: 12512038, 15198989, 18240302, 22684479). In summary, this is a frequently observed variant that is associated with approximately a 2.2-fold increased risk of Crohn's disease in population studies. Therefore, it has been classified as an Increased Risk Allele.

Clinical Genomics Laboratory, Washington University in St. Louis
Classification: Likely pathogenic for Yao syndrome; Inflammatory bowel disease 1. Last evaluated: 2026-02-01. Review status: criteria provided, single submitter. Criteria: ACMG Guidelines, 2015. Collection method: clinical testing. Allele origin: germline. Affected: yes.
Comment: The NOD2 c.2641G>C (p.Gly881Arg) variant commonly reported as c.2722G>C (p.Gly908Arg) on NM_02216.2, has been shown to confer an elevated risk of Crohn’s disease (OR = 2.6, 95% CI 2.2-2.9; Yazdanyar S et al., PMID: 19713276). When all three NOD2 genotypes were combined (p.Arg702Trp, p.Gly908Arg, and p.Leu1007Profs*2), the odds ratios for Crohn's disease were 2.4 (95% CI, 2.0-2.8) for simple heterozygotes, 9.0 (95% CI 6.0-13.5) for compound heterozygotes, and 6.7 (95% CI 4.1-10.9) for homozygotes, compared with noncarriers (Yazdanyar S et al., PMID: 19713276). This variant has also been observed in individuals with Yao syndrome along with one or more variants (Yao Q et al., PMID: 26070941; Yao Q et al., PMID: 23102769; Yao Q and Shen B, PMID: 27984003). Functional studies show decreased NFkB activity and decreased response to lipopolysaccharide, muramyl dipeptide, and peptidoglycan compared to wildtype protein, indicating that this variant impacts protein function (Bonen DK et al., PMID: 12512038; Li J et al., PMID: 15198989). The highest population minor allele frequency in the population database genome aggregation database (v.2.1.1) is 4.6% in the Ashkenazi Jewish population. Computational predictors are uncertain as to the impact of this variant on NOD2 function. This variant has been reported in the ClinVar database as a germline variant of uncertain significance by five submitters, benign by two, and likely benign by three submitters. This variant is an established risk for Crohn’s disease and a likely risk allele for Yao syndrome along with other genetic and environmental factors and based on available information and the ClinGen Low Penetrance/Risk Allele Working Group recommendations (Schmidt RJ et al., PMID: 38054408) this variant is classified as a likely risk allele.The NOD2 c.2023C>T (p.Arg675Trp), commonly reported as c.2104C>T (p.Arg702Trp) on NM_02216.2, has been shown to confer an elevated risk of Crohn’s disease (OR=2.2, 95% CI 2.0-2.5; Yazdanyar S et al., PMID: 19713276). When combined with two additional NOD2 variants, p.Gly908Arg and p.Leu1007Profs*2, the odds ratios for Crohn's disease were 2.4 (95% CI, 2.0-2.8) for simple heterozygotes, 9.0 (95% CI 6.0-13.5) for compound heterozygotes, and 6.7 (95% CI 4.1-10.9) for homozygotes, compared with noncarriers (Yazdanyar S et al., PMID: 19713276). This variant has also been observed in individuals with Yao syndrome, alone or concurrent with one or more variants (Yao Q et al., PMID: 26070941; Yao Q et al., PMID: 23102769; Yao Q and Shen B, PMID: 27984003). The highest population minor allele frequency in the population database genome aggregation database (v.2.1.1) is 4.3% in the European non-Finnish population. Functional studies show decreased NFkB activity and decreased response to lipopolysaccharide, muramyl dipeptide, and peptidoglycan compared to wildtype protein, indicating that this variant impacts protein function (Bonen DK et al., PMID: 12512038; Li J et al., PMID: 15198989; Salucci V et al., PMID: 18240302). This variant has been reported in the ClinVar database as a germline variant of uncertain significance by four submitters, benign by two, and likely benign by four submitters. This variant is an established risk for Crohn’s disease and a likely risk allele for Yao syndrome along with other genetic and environmental factors and based on available information and the ClinGen Low Penetrance/Risk Allele Working Group recommendations (Schmidt RJ et al., PMID: 38054408) this variant is classified as a likely risk allele.

Women's Health and Genetics/Laboratory Corporation of America, LabCorp
Classification: Likely benign. Last evaluated: 2026-01-21. Review status: criteria provided, single submitter. Criteria: LabCorp Variant Classification Summary - May 2015. Collection method: clinical testing. Allele origin: germline.

Revvity Omics, Revvity
Classification: Uncertain significance for Blau syndrome. Last evaluated: 2025-06-23. Review status: criteria provided, single submitter. Criteria: ACMG Guidelines, 2015. Collection method: clinical testing. Allele origin: germline.

ARUP Laboratories, Molecular Genetics and Genomics, ARUP Laboratories
Classification: Benign. Last evaluated: 2025-06-16. Review status: criteria provided, single submitter. Criteria: ARUP Molecular Germline Variant Investigation Process 2024. Collection method: clinical testing. Allele origin: germline.

Blueprint Genetics
Classification: Likely benign. Last evaluated: 2024-11-27. Review status: criteria provided, single submitter. Criteria: ACMG Guidelines, 2015. Collection method: clinical testing. Allele origin: germline.

GeneDx
Classification: Likely benign. Last evaluated: 2024-03-05. Review status: criteria provided, single submitter. Criteria: GeneDx Variant Classification Process June 2021. Collection method: clinical testing. Allele origin: germline. Affected: yes.
Comment: See Variant Classification Assertion Criteria.

Department of Pathology and Laboratory Medicine, Sinai Health System
Classification: Likely benign for Blau syndrome; Inflammatory bowel disease 1; Yao syndrome. Last evaluated: 2023-01-31. Review status: criteria provided, single submitter. Criteria: ACMG Guidelines, 2015. Collection method: research. Allele origin: germline.

Genome Diagnostics Laboratory, The Hospital for Sick Children
Classification: Uncertain significance for Autoinflammatory syndrome. Last evaluated: 2022-04-19. Review status: criteria provided, single submitter. Criteria: ACMG Guidelines, 2015. Collection method: clinical testing. Allele origin: germline. Affected: yes.

Undiagnosed Diseases Network, NIH
Classification: Uncertain significance for Yao syndrome. Last evaluated: 2020-08-18. Review status: criteria provided, single submitter. Criteria: ACMG Guidelines, 2015. Collection method: clinical testing. Allele origin: unknown. Inheritance: Autosomal recessive inheritance. Affected: yes. Observed: 1 variant allele, 1 compound heterozygote. Study: Undiagnosed Diseases Network (NIH), UDN.